The following is an entry in ClinVar:

ClinVar aggregate classification (germline): Likely benign. Review status: criteria provided, multiple submitters, no conflicts (2 of 4 stars). 2 submissions from 2 submitters: Likely benign (2). Last evaluated 2025-10-01.

Allele frequency attached by ClinVar (database versions not stated): gnomAD exomes 0.00001; gnomAD 0.00003; TOPMed 0.00008.
gnomAD v4.1: 16 of 1,609,850 alleles (0.00099%); highest among the groups gnomAD compares: Admixed American, 0.005%; no homozygotes.

Submissions (2):

CeGaT Center for Human Genetics Tuebingen
Classification: Likely benign. Last evaluated: 2025-10-01. Review status: criteria provided, single submitter. Criteria: CeGaT Center For Human Genetics Tuebingen Variant Classification Criteria Version 2. Collection method: clinical testing. Allele origin: germline. Affected: yes. Observed: 1 variant allele.
Comment: CACNA1D: BP4, BP7

Labcorp Genetics (formerly Invitae), Labcorp
Classification: Likely benign. Last evaluated: 2025-07-23. Review status: criteria provided, single submitter. Criteria: Invitae Variant Classification Sherloc (09022015). Collection method: clinical testing. Allele origin: germline.

NM_001128840.3(CACNA1D):c.3861C>T (p.Ser1287=)

Gene: CACNA1D (calcium voltage-gated channel subunit alpha1 D; plus strand). Cytogenetic location: 3p21.1.
Variant type: single nucleotide variant.
Coding change: c.3861C>T on transcript NM_001128840.3 (MANE Select); coding-DNA position 3861, C replaced by T.
Protein change: p.Ser1287=; no amino-acid change (serine 1287 retained).
Molecular consequence: synonymous variant.
Genome position (GRCh38, 1-based): chr3:53,762,072, C>T. VCF-style: chr3-53762072-C-T. GRCh37 (hg19) VCF-style: chr3-53796099-C-T.
Other names: c.3921C>T, p.Ser1307= (NM_000720.4); c.3861C>T, p.Ser1287= (NM_001128839.3).
Identifiers: ClinVar variation 732341 (VCV000732341.13), dbSNP rs999494600, ClinGen allele CA74882783.